The following is an entry in ClinVar:

NM_001184880.2(PCDH19):c.2938C>T (p.Arg980Cys)

Gene: PCDH19 (protocadherin 19; minus strand). Cytogenetic location: Xq22.1.
Variant type: single nucleotide variant.
Coding change: c.2938C>T on transcript NM_001184880.2 (MANE Select); coding-DNA position 2938, C replaced by T.
Protein change: p.Arg980Cys; replaces arginine 980 with cysteine.
Molecular consequence: missense variant.
Genome position (GRCh38, 1-based): chrX:100,296,786, G>A on the plus strand (C>T on the coding strand, the complement: PCDH19 is on the minus strand). VCF-style: chrX-100296786-G-A. GRCh37 (hg19) VCF-style: chrX-99551784-G-A.
Other names: p.R933C:CGT>TGT; c.2797C>T, p.Arg933Cys (NM_001105243.2); c.2794C>T, p.Arg932Cys (NM_020766.3); short protein forms R980C, R933C, R932C.
Identifiers: ClinVar variation 138590 (VCV000138590.24), dbSNP rs3764758, ClinGen allele CA295132.

ClinVar aggregate classification (germline): Benign/Likely benign. Review status: criteria provided, multiple submitters, no conflicts (2 of 4 stars). 5 submissions from 5 submitters: Benign (4); Likely benign (1). Last evaluated 2026-01-24.

Conditions:
Inborn genetic diseases. Identifiers: MedGen C0950123, MeSH D030342.
Developmental and epileptic encephalopathy, 9 (DEE9). Also called: PCDH19-Related X-Linked Female-Limited Epilepsy with Mental Retardation; Early infantile epileptic encephalopathy 9; JUBERG-HELLMAN SYNDROME; EPILEPSY, FEMALE-RESTRICTED, WITH MENTAL RETARDATION. Identifiers: Orphanet 101039, Orphanet 2076, MedGen C1848137, MONDO:0010246, OMIM 300088. Disease mechanism: loss of function.

Allele frequency attached by ClinVar (database versions not stated): ESP Exome Variant Server 0.00030; gnomAD 0.00118 and 0.00207; gnomAD exomes 0.00119 and 0.00479; TOPMed 0.00244; ExAC 0.00481; 1000 Genomes Project 30x 0.01686; 1000 Genomes Project 0.01695.
gnomAD v4.1: 1,587 of 1,209,314 alleles (0.13%); highest among the groups gnomAD compares: East Asian, 4%; 21 homozygotes.

Submissions (5):

Labcorp Genetics (formerly Invitae), Labcorp
Classification: Benign for Developmental and epileptic encephalopathy, 9. Last evaluated: 2026-01-24. Review status: criteria provided, single submitter. Criteria: Invitae Variant Classification Sherloc (09022015). Collection method: clinical testing. Allele origin: germline.

Ambry Genetics
Classification: Benign for Inborn genetic diseases. Last evaluated: 2016-07-18. Review status: criteria provided, single submitter. Criteria: Ambry Variant Classification Scheme 2023. Collection method: clinical testing. Allele origin: germline.

Eurofins Ntd Llc (ga)
Classification: Benign. Last evaluated: 2014-05-27. Review status: criteria provided, single submitter. Criteria: EGL Classification Definitions 2015. Collection method: clinical testing. Allele origin: germline. Observed: 1 variant allele, 1 hemizygote.

GeneDx
Classification: Benign. Last evaluated: 2013-04-17. Review status: criteria provided, single submitter. Criteria: GeneDx Variant Classification (06012015). Collection method: clinical testing. Allele origin: germline. Affected: yes.
Comment: This variant is considered likely benign or benign based on one or more of the following criteria: it is a conservative change, it occurs at a poorly conserved position in the protein, it is predicted to be benign by multiple in silico algorithms, and/or has population frequency not consistent with disease.

Genetic Services Laboratory, University of Chicago
Classification: Likely benign. Last evaluated: 2013-03-27. Review status: criteria provided, single submitter. Criteria: ACMG Guidelines, 2007. Collection method: clinical testing. Allele origin: germline. Inheritance: X-linked inheritance.
Comment: Likely benign based on allele frequency in 1000 Genomes Project or ESP global frequency and its presence in a patient with a rare or unrelated disease phenotype. NOT Sanger confirmed